The following is an entry in ClinVar:

NM_006648.4(WNK2):c.2791A>G (p.Thr931Ala)

Gene: WNK2 (WNK lysine deficient protein kinase 2; plus strand). Cytogenetic location: 9q22.31.
Variant type: single nucleotide variant.
Coding change: c.2791A>G on transcript NM_006648.4 (MANE Select); coding-DNA position 2791, A replaced by G.
Protein change: p.Thr931Ala; replaces threonine 931 with alanine.
Molecular consequence: missense variant.
Genome position (GRCh38, 1-based): chr9:93,259,339, A>G. VCF-style: chr9-93259339-A-G. GRCh37 (hg19) VCF-style: chr9-96021621-A-G.
Other names: c.2791A>G, p.Thr931Ala (NM_001282394.3); short protein forms T931A.
Identifiers: ClinVar variation 3816992 (VCV003816992.1).

ClinVar aggregate classification (germline): Uncertain significance (1 of 4 stars; one submission).

gnomAD v4.1: 2 of 1,601,658 alleles (0.00012%); highest among the groups gnomAD compares: Non-Finnish European, 0.00017%; no homozygotes.

Submission:

Ambry Genetics
Classification: Uncertain significance. Last evaluated: 2025-02-03. Review status: criteria provided, single submitter. Criteria: Ambry Variant Classification Scheme 2023. Collection method: clinical testing. Allele origin: germline.
Comment: The p.T931A variant (also known as c.2791A>G), located in coding exon 11 of the WNK2 gene, results from an A to G substitution at nucleotide position 2791. The threonine at codon 931 is replaced by alanine, an amino acid with similar properties. This amino acid position is conserved. In addition, this alteration is predicted to be tolerated by in silico analysis. Based on the available evidence, the clinical significance of this variant remains unclear.